The following is an entry in ClinVar:

NM_000264.5(PTCH1):c.1350C>T (p.Leu450=)

Gene: PTCH1 (patched 1; minus strand). Cytogenetic location: 9q22.32.
Variant type: single nucleotide variant.
Coding change: c.1350C>T on transcript NM_000264.5 (MANE Select); coding-DNA position 1350, C replaced by T.
Protein change: p.Leu450=; no amino-acid change (leucine 450 retained).
Molecular consequence: synonymous variant. On other transcripts: non-coding transcript variant (1), intron variant (1).
Genome position (GRCh38, 1-based): chr9:95,477,700, G>A on the plus strand (C>T on the coding strand, the complement: PTCH1 is on the minus strand). VCF-style: chr9-95477700-G-A. GRCh37 (hg19) VCF-style: chr9-98239982-G-A.
Other names: c.1152C>T, p.Leu384= (NM_001083602.3); c.1347C>T, p.Leu449= (NM_001083603.3); c.897C>T, p.Leu299= (NM_001083604.3, NM_001083605.3, NM_001083606.3 and 1 more transcripts); c.1347+355C>T (NM_001354918.2).
Identifiers: ClinVar variation 703538 (VCV000703538.31), dbSNP rs369109033, ClinGen allele CA5138670.

ClinVar aggregate classification (germline): Benign/Likely benign. Review status: criteria provided, multiple submitters, no conflicts (2 of 4 stars). 3 submissions from 3 submitters: Benign (1); Likely benign (2). Last evaluated 2025-11-05.

Conditions:
Hereditary cancer-predisposing syndrome. Also called: Neoplastic Syndromes, Hereditary; Tumor predisposition; Hereditary Cancer Syndrome; Hereditary neoplastic syndrome. Identifiers: Orphanet 140162, MedGen C0027672, MeSH D009386, MONDO:0015356.
Gorlin syndrome. Also called: Nevoid Basal Cell Carcinoma Syndrome; Basal cell nevus syndrome. Identifiers: Orphanet 377, MedGen C0004779, MONDO:0007187.

Allele frequency attached by ClinVar (database versions not stated): gnomAD 0.00003; TOPMed 0.00005; ESP Exome Variant Server 0.00008.
gnomAD v4.1: 14 of 1,613,960 alleles (0.00087%); highest among the groups gnomAD compares: African/African-American, 0.0093%; no homozygotes.

Submissions (3):

Labcorp Genetics (formerly Invitae), Labcorp
Classification: Likely benign for Gorlin syndrome. Last evaluated: 2025-11-05. Review status: criteria provided, single submitter. Criteria: Invitae Variant Classification Sherloc (09022015). Collection method: clinical testing. Allele origin: germline.

CeGaT Center for Human Genetics Tuebingen
Classification: Likely benign. Last evaluated: 2024-10-01. Review status: criteria provided, single submitter. Criteria: CeGaT Center For Human Genetics Tuebingen Variant Classification Criteria Version 2. Collection method: clinical testing. Allele origin: germline. Affected: yes. Observed: 1 variant allele.
Comment: PTCH1: BP4, BP7

Ambry Genetics
Classification: Benign for Hereditary cancer-predisposing syndrome. Last evaluated: 2022-02-01. Review status: criteria provided, single submitter. Criteria: Ambry Variant Classification Scheme 2023. Collection method: clinical testing. Allele origin: germline.